The following is an entry in ClinVar:

NM_017777.4(MKS1):c.1592C>A (p.Ala531Asp)

Gene: MKS1 (MKS transition zone complex subunit 1; minus strand). Cytogenetic location: 17q22.
Variant type: single nucleotide variant.
Coding change: c.1592C>A on transcript NM_017777.4 (MANE Select); coding-DNA position 1592, C replaced by A.
Protein change: p.Ala531Asp; replaces alanine 531 with aspartic acid.
Molecular consequence: missense variant. On other transcripts: synonymous variant (1), 3 prime UTR variant (1).
Genome position (GRCh38, 1-based): chr17:58,206,167, G>T on the plus strand (C>A on the coding strand, the complement: MKS1 is on the minus strand). VCF-style: chr17-58206167-G-T. GRCh37 (hg19) VCF-style: chr17-56283528-G-T.
Other names: c.983C>A, p.Ala328Asp (NM_001321268.2); c.1509C>A, p.Gly503= (NM_001321269.2); c.*4C>A (NM_001330397.2); short protein forms A531D, A328D.
Identifiers: ClinVar variation 1038597 (VCV001038597.6), dbSNP rs751294519, ClinGen allele CA8669068.
Genomic context (GRCh38, chr17:58,206,167, plus strand): 5'-ACTAGGTCCTGCGGGAGGCTTTCCCGGGCCTCCTGCATGCGGCGCCGGGCTCGACGGAAG[G>T]CCTCTGTAAGGAAAGGAGATATGCTATTTGGCTGCCATATGGTATTTCTCTCTGCACTGC-3'
Protein context (NP_060247.2, residues 521-541): QQSSIHNVLE[Ala531Asp]FRRARRRMQE

ClinVar aggregate classification (germline): Uncertain significance (1 of 4 stars; one submission).

Conditions:
Joubert syndrome. Also called: Familial aplasia of the vermis; CEREBELLOPARENCHYMAL DISORDER IV; JOUBERT-BOLTSHAUSER SYNDROME. Identifiers: Orphanet 475, MedGen C5979921, MONDO:0018772.
Meckel-Gruber syndrome. Also called: Dysencephalia splachnocystica; DYSENCEPHALIA SPLANCHNOCYSTICA; GRUBER SYNDROME. Identifiers: Orphanet 564, MedGen C0265215, MONDO:0018921.

Allele frequency attached by ClinVar (database versions not stated): TOPMed below 0.00001; gnomAD 0.00002.

Submission:

Labcorp Genetics (formerly Invitae), Labcorp
Classification: Uncertain significance for Joubert syndrome; Meckel-Gruber syndrome. Last evaluated: 2021-08-30. Review status: criteria provided, single submitter. Criteria: Invitae Variant Classification Sherloc (09022015). Collection method: clinical testing. Allele origin: germline.
Comment: This sequence change replaces alanine with aspartic acid at codon 531 of the MKS1 protein (p.Ala531Asp). The alanine residue is highly conserved and there is a moderate physicochemical difference between alanine and aspartic acid. This variant is present in population databases (rs751294519, ExAC 0.002%). This variant has not been reported in the literature in individuals affected with MKS1-related conditions. Advanced modeling of protein sequence and biophysical properties (such as structural, functional, and spatial information, amino acid conservation, physicochemical variation, residue mobility, and thermodynamic stability) performed at Invitae indicates that this missense variant is expected to disrupt MKS1 protein function. In summary, the available evidence is currently insufficient to determine the role of this variant in disease. Therefore, it has been classified as a Variant of Uncertain Significance.